The following is an entry in ClinVar:

NM_000525.4(KCNJ11):c.-424C>T

Gene: KCNJ11 (potassium inwardly rectifying channel subfamily J member 11; minus strand). Cytogenetic location: 11p15.1.
Variant type: single nucleotide variant.
Coding change: c.-424C>T on transcript NM_000525.4 (MANE Select); 424 bases upstream of the start codon, C replaced by T.
Molecular consequence: 5 prime UTR variant. On other transcripts: intron variant (3).
Genome position (GRCh38, 1-based): chr11:17,388,515, G>A on the plus strand (C>T on the coding strand, the complement: KCNJ11 is on the minus strand). VCF-style: chr11-17388515-G-A. GRCh37 (hg19) VCF-style: chr11-17410062-G-A.
Other names: c.-17+659C>T (NM_001166290.2); c.-17+326C>T (NM_001377297.1); c.-76+326C>T (NM_001377296.1).
Identifiers: ClinVar variation 877742 (VCV000877742.5), dbSNP rs1953601577, ClinGen allele CA1139661845.

ClinVar aggregate classification (germline): Uncertain significance. Review status: criteria provided, multiple submitters, no conflicts (2 of 4 stars). 4 submissions from 2 submitters: Uncertain significance (4). Last evaluated 2018-01-12.

Conditions:
Hyperinsulinemic hypoglycemia, familial, 2. Also called: HYPERINSULINEMIC HYPOGLYCEMIA, PERSISTENT; HYPERINSULINISM, NEONATAL. Identifiers: Orphanet 276580, Orphanet 276603, MedGen C2931833, MONDO:0011153, OMIM 601820. Disease mechanism: loss of function.
Maturity-onset diabetes of the young type 13. Also called: MODY, TYPE 13. Identifiers: Orphanet 552, MedGen C4225365, MONDO:0014589, OMIM 616329.
Maturity-onset diabetes of the young (MODY). Also called: Maturity onset diabetes mellitus in young. Identifiers: Orphanet 552, MedGen C0342276, MONDO:0018911, HP:0004904.
Diabetes mellitus, transient neonatal, 3 (TNDM3). Identifiers: Orphanet 99886, MedGen C1864623, MONDO:0012522, OMIM 610582. Disease mechanism: loss of function.

Submissions (4):

Illumina Laboratory Services, Illumina
Classification: Uncertain significance for Hyperinsulinemic hypoglycemia, familial, 2. Last evaluated: 2018-01-12. Review status: criteria provided, single submitter. Criteria: ICSL Variant Classification Criteria 13 December 2019. Collection method: clinical testing. Allele origin: germline.

Illumina Laboratory Services, Illumina
Classification: Uncertain significance for Maturity-onset diabetes of the young type 13. Last evaluated: 2018-01-12. Review status: criteria provided, single submitter. Criteria: ICSL Variant Classification Criteria 13 December 2019. Collection method: clinical testing. Allele origin: germline.

Illumina Laboratory Services, Illumina
Classification: Uncertain significance for Diabetes mellitus, transient neonatal, 3. Last evaluated: 2018-01-12. Review status: criteria provided, single submitter. Criteria: ICSL Variant Classification Criteria 13 December 2019. Collection method: clinical testing. Allele origin: germline.

Clinical Genomics, Uppaluri K&H Personalized Medicine Clinic
Classification: Uncertain significance for Maturity-onset diabetes of the young. Review status: criteria provided, single submitter. Criteria: K&H Uppaluri Personalized Medicine Clinic Variant Classification & Assertion Criteria. Collection method: research. Allele origin: somatic. Inheritance: Autosomal dominant inheritance.
Comment: Mutations in KCNJ11 gene can cause decreased production and secretion of insulin. This can lead to MODY which may be responsive to oral sulfonylureas. It is also associated with with Neonatal Diabetes. However, no sufficient evidence is found to ascertain the role of rs1953601577 variant in MODY yet.

Literature cited by the submitters: PubMed 26448950 (cited by Clinical Genomics, Uppaluri K&H Personalized Medicine Clinic); PubMed 15580558 (cited by Clinical Genomics, Uppaluri K&H Personalized Medicine Clinic); PubMed 15718250 (cited by Clinical Genomics, Uppaluri K&H Personalized Medicine Clinic); PubMed 32935446 (cited by Clinical Genomics, Uppaluri K&H Personalized Medicine Clinic); PubMed 22701567 (cited by Clinical Genomics, Uppaluri K&H Personalized Medicine Clinic).